The following is an entry in ClinVar:

ClinVar aggregate classification (germline): Uncertain significance. Review status: criteria provided, multiple submitters, no conflicts (2 of 4 stars). 4 submissions from 4 submitters: Uncertain significance (4). Last evaluated 2024-03-13.

Conditions:
Inborn genetic diseases. Identifiers: MedGen C0950123, MeSH D030342.
Charcot-Marie-Tooth disease type 4. Also called: Charcot-Marie-Tooth disease, type IV; Charcot-Marie-Tooth, Type 4. Identifiers: Orphanet 64749, MedGen C4082197, MONDO:0018995.
Charcot-Marie-Tooth disease type 4B2. Also called: CHARCOT-MARIE-TOOTH DISEASE, WITH FOCALLY FOLDED MYELIN SHEATHS, AUTOSOMAL RECESSIVE, TYPE 4B2; Charcot-Marie-Tooth Neuropathy Type 4B2; CHARCOT-MARIE-TOOTH DISEASE, DEMYELINATING, TYPE 4B2; CMT 4B2. Identifiers: Orphanet 99956, MedGen C1858278, MONDO:0011475, OMIM 604563.

Allele frequency attached by ClinVar (database versions not stated): TOPMed below 0.00001; gnomAD 0.00001.
gnomAD v4.1: 54 of 1,612,784 alleles (0.0033%); highest among the groups gnomAD compares: Non-Finnish European, 0.0044%; no homozygotes.

Submissions (4):

ARUP Laboratories, Molecular Genetics and Genomics, ARUP Laboratories
Classification: Uncertain significance for Charcot-Marie-Tooth disease type 4B2. Last evaluated: 2024-03-13. Review status: criteria provided, single submitter. Criteria: ARUP Molecular Germline Variant Investigation Process 2024. Collection method: clinical testing. Allele origin: germline.
Comment: The SBF2 c.109G>C; p.Asp37His variant (rs759977048), to our knowledge, is not reported in the medical literature but is reported in ClinVar (Variation ID: 448233). This variant is only observed on two alleles in the Genome Aggregation Database (v2.1.1), indicating it is not a common polymorphism. Computational analyses are uncertain whether this variant is neutral or deleterious (REVEL: 0.2). Due to limited information, the clinical significance of this variant is uncertain at this time.

Ambry Genetics
Classification: Uncertain significance for Inborn genetic diseases. Last evaluated: 2023-12-21. Review status: criteria provided, single submitter. Criteria: Ambry Variant Classification Scheme 2023. Collection method: clinical testing. Allele origin: germline.

Labcorp Genetics (formerly Invitae), Labcorp
Classification: Uncertain significance for Charcot-Marie-Tooth disease type 4. Last evaluated: 2022-06-09. Review status: criteria provided, single submitter. Criteria: Invitae Variant Classification Sherloc (09022015). Collection method: clinical testing. Allele origin: germline.
Comment: In summary, the available evidence is currently insufficient to determine the role of this variant in disease. Therefore, it has been classified as a Variant of Uncertain Significance. Algorithms developed to predict the effect of missense changes on protein structure and function are either unavailable or do not agree on the potential impact of this missense change (SIFT: "Tolerated"; PolyPhen-2: "Possibly Damaging"; Align-GVGD: "Class C0"). ClinVar contains an entry for this variant (Variation ID: 448233). This variant has not been reported in the literature in individuals affected with SBF2-related conditions. This variant is present in population databases (rs759977048, gnomAD 0.002%). This sequence change replaces aspartic acid, which is acidic and polar, with histidine, which is basic and polar, at codon 37 of the SBF2 protein (p.Asp37His).

Athena Diagnostics
Classification: Uncertain significance. Last evaluated: 2016-09-12. Review status: criteria provided, single submitter. Criteria: Athena Diagnostics Criteria. Collection method: clinical testing. Allele origin: germline.

NM_030962.4(SBF2):c.109G>C (p.Asp37His)

Gene: SBF2 (SET binding factor 2; minus strand). Cytogenetic location: 11p15.4.
Variant type: single nucleotide variant.
Coding change: c.109G>C on transcript NM_030962.4 (MANE Select); coding-DNA position 109, G replaced by C.
Protein change: p.Asp37His; replaces aspartic acid 37 with histidine.
Molecular consequence: missense variant.
Genome position (GRCh38, 1-based): chr11:10,193,934, C>G on the plus strand (G>C on the coding strand, the complement: SBF2 is on the minus strand). VCF-style: chr11-10193934-C-G. GRCh37 (hg19) VCF-style: chr11-10215481-C-G.
Other names: c.109G>C, p.Asp37His (NM_001386339.1, NM_001386342.1); short protein forms D37H.
Identifiers: ClinVar variation 448233 (VCV000448233.8), dbSNP rs759977048, ClinGen allele CA217871347.